The following is an entry in ClinVar:

NM_181882.3(PRX):c.4171C>T (p.Arg1391Trp)

Gene: PRX (periaxin; minus strand). Cytogenetic location: 19q13.2.
Variant type: single nucleotide variant.
Coding change: c.4171C>T on transcript NM_181882.3 (MANE Select); coding-DNA position 4171, C replaced by T.
Protein change: p.Arg1391Trp; replaces arginine 1391 with tryptophan.
Molecular consequence: missense variant. On other transcripts: 3 prime UTR variant (1).
Genome position (GRCh38, 1-based): chr19:40,394,181, G>A on the plus strand (C>T on the coding strand, the complement: PRX is on the minus strand). VCF-style: chr19-40394181-G-A. GRCh37 (hg19) VCF-style: chr19-40900088-G-A.
Other names: c.*4376C>T (NM_020956.2); short protein forms R1391W.
Identifiers: ClinVar variation 476972 (VCV000476972.12), dbSNP rs369072136, ClinGen allele CA9443673.

ClinVar aggregate classification (germline): Uncertain significance. Review status: criteria provided, multiple submitters, no conflicts (2 of 4 stars). 4 submissions from 4 submitters: Uncertain significance (4). Last evaluated 2026-07-21.

Conditions:
PRX-related disorder. Also called: PRX-related condition; PRX-Related Disorders.
Inborn genetic diseases. Identifiers: MedGen C0950123, MeSH D030342.
Charcot-Marie-Tooth disease type 4. Also called: Charcot-Marie-Tooth disease, type IV; Charcot-Marie-Tooth, Type 4. Identifiers: Orphanet 64749, MedGen C4082197, MONDO:0018995.

Allele frequency attached by ClinVar (database versions not stated): TOPMed 0.00008; ESP Exome Variant Server 0.00015.
gnomAD v4.1: 75 of 1,587,512 alleles (0.0047%); highest among the groups gnomAD compares: Middle Eastern, 0.034%; no homozygotes.

Submissions (4):

PreventionGenetics, part of Exact Sciences
Classification: Uncertain significance for PRX-related condition. Last evaluated: 2026-07-21. Review status: criteria provided, single submitter. Criteria: ACMG Guidelines, 2015. Collection method: clinical testing. Allele origin: germline.
Comment: The PRX c.4171C>T variant is predicted to result in the amino acid substitution p.Arg1391Trp. To our knowledge, this variant has not been reported in the literature. This variant is reported in 0.041% of alleles in individuals of African descent in gnomAD, which may be too frequent to be a primary cause of an autosomal dominant disease. At this time, the clinical significance of this variant is uncertain due to the absence of conclusive functional and genetic evidence.

Ambry Genetics
Classification: Uncertain significance for Inborn genetic diseases. Last evaluated: 2024-04-09. Review status: criteria provided, single submitter. Criteria: Ambry Variant Classification Scheme 2023. Collection method: clinical testing. Allele origin: germline.

Labcorp Genetics (formerly Invitae), Labcorp
Classification: Uncertain significance for Charcot-Marie-Tooth disease type 4. Last evaluated: 2021-08-26. Review status: criteria provided, single submitter. Criteria: Invitae Variant Classification Sherloc (09022015). Collection method: clinical testing. Allele origin: germline.
Comment: This sequence change replaces arginine with tryptophan at codon 1391 of the PRX protein (p.Arg1391Trp). The arginine residue is moderately conserved and there is a moderate physicochemical difference between arginine and tryptophan. This variant is present in population databases (rs369072136, ExAC 0.02%). This variant has not been reported in the literature in individuals affected with PRX-related conditions. ClinVar contains an entry for this variant (Variation ID: 476972). Algorithms developed to predict the effect of missense changes on protein structure and function output the following: SIFT: "Deleterious"; PolyPhen-2: "Benign"; Align-GVGD: "Class C0". The tryptophan amino acid residue is found in multiple mammalian species, which suggests that this missense change does not adversely affect protein function. In summary, the available evidence is currently insufficient to determine the role of this variant in disease. Therefore, it has been classified as a Variant of Uncertain Significance.

Breakthrough Genomics
Classification: Uncertain significance. Review status: criteria provided, single submitter. Criteria: ACMG Guidelines, 2015. Collection method: not provided. Allele origin: germline. Inheritance: Autosomal dominant inheritance. Affected: yes.